The following is an entry in ClinVar:

ClinVar aggregate classification (germline): Uncertain significance (1 of 4 stars; one submission).

Conditions:
Baller-Gerold syndrome (BGS). Also called: CRANIOSYNOSTOSIS WITH RADIAL DEFECTS. Identifiers: Orphanet 1225, MedGen C0265308, MONDO:0009039, OMIM 218600.

Allele frequency attached by ClinVar (database versions not stated): gnomAD exomes below 0.00001; TOPMed 0.00001.
gnomAD v4.1: 1 of 1,607,386 alleles (0.000062%); highest among the groups gnomAD compares: African/African-American, 0.0013%; no homozygotes.

Submission:

Labcorp Genetics (formerly Invitae), Labcorp
Classification: Uncertain significance for Baller-Gerold syndrome. Last evaluated: 2021-05-31. Review status: criteria provided, single submitter. Criteria: Invitae Variant Classification Sherloc (09022015). Collection method: clinical testing. Allele origin: germline.
Comment: This sequence change replaces aspartic acid with alanine at codon 1013 of the RECQL4 protein (p.Asp1013Ala). The aspartic acid residue is highly conserved and there is a moderate physicochemical difference between aspartic acid and alanine. This variant is not present in population databases (ExAC no frequency). This variant has not been reported in the literature in individuals with RECQL4-related conditions. Experimental studies and prediction algorithms are not available or were not evaluated, and the functional significance of this variant is currently unknown. In summary, the available evidence is currently insufficient to determine the role of this variant in disease. Therefore, it has been classified as a Variant of Uncertain Significance.

NM_004260.4(RECQL4):c.3038A>C (p.Asp1013Ala)

Gene: RECQL4 (RecQ like helicase 4; minus strand). Cytogenetic location: 8q24.3.
Variant type: single nucleotide variant.
Coding change: c.3038A>C on transcript NM_004260.4 (MANE Select); coding-DNA position 3038, A replaced by C.
Protein change: p.Asp1013Ala; replaces aspartic acid 1013 with alanine.
Molecular consequence: missense variant.
Genome position (GRCh38, 1-based): chr8:144,512,409, T>G on the plus strand (A>C on the coding strand, the complement: RECQL4 is on the minus strand). VCF-style: chr8-144512409-T-G. GRCh37 (hg19) VCF-style: chr8-145737792-T-G.
Other names: short protein forms D1013A.
Identifiers: ClinVar variation 1419731 (VCV001419731.3), dbSNP rs898859819, ClinGen allele CA187679886.